The following is an entry in ClinVar:

ClinVar aggregate classification (germline): Uncertain significance. Review status: criteria provided, multiple submitters, no conflicts (2 of 4 stars). 3 submissions from 3 submitters: Uncertain significance (3). Last evaluated 2021-12-07.

Conditions:
Muscular dystrophy-dystroglycanopathy (congenital with brain and eye anomalies), type a, 11 (MDDGA11). Also called: WALKER-WARBURG SYNDROME OR MUSCLE-EYE-BRAIN DISEASE, B3GALNT2-RELATED; Muscular dystrophy-dystroglycanopathy (congenital with brain and eye anomalies, type A, 11; Congenital muscular dystrophy-dystroglycanopathy with brain and eye anomalies, type A11. Identifiers: Orphanet 588, Orphanet 899, MedGen C3554638, MONDO:0014071, OMIM 615181.

Allele frequency attached by ClinVar (database versions not stated): TOPMed below 0.00001; gnomAD 0.00001; gnomAD exomes 0.00002.
gnomAD v4.1: 29 of 1,612,524 alleles (0.0018%); highest among the groups gnomAD compares: Middle Eastern, 0.016%; no homozygotes.

Submissions (3):

Labcorp Genetics (formerly Invitae), Labcorp
Classification: Uncertain significance for Muscular dystrophy-dystroglycanopathy (congenital with brain and eye anomalies), type a, 11. Last evaluated: 2021-12-07. Review status: criteria provided, single submitter. Criteria: Invitae Variant Classification Sherloc (09022015). Collection method: clinical testing. Allele origin: germline.
Comment: This sequence change replaces serine, which is neutral and polar, with cysteine, which is neutral and slightly polar, at codon 442 of the B3GALNT2 protein (p.Ser442Cys). This variant is not present in population databases (gnomAD no frequency). This variant has not been reported in the literature in individuals affected with B3GALNT2-related conditions. Algorithms developed to predict the effect of missense changes on protein structure and function are either unavailable or do not agree on the potential impact of this missense change (SIFT: "Deleterious"; PolyPhen-2: "Probably Damaging"; Align-GVGD: "Class C0"). In summary, the available evidence is currently insufficient to determine the role of this variant in disease. Therefore, it has been classified as a Variant of Uncertain Significance.

GeneDx
Classification: Uncertain significance. Last evaluated: 2021-07-01. Review status: criteria provided, single submitter. Criteria: GeneDx Variant Classification Process June 2021. Collection method: clinical testing. Allele origin: germline. Affected: yes.
Comment: Not observed at significant frequency in large population cohorts (Lek et al., 2016); In silico analysis supports that this missense variant has a deleterious effect on protein structure/function; Has not been previously published as pathogenic or benign to our knowledge; This variant is associated with the following publications: (PMID: 23453667, 27535533)

Revvity Omics, Revvity
Classification: Uncertain significance for Muscular dystrophy-dystroglycanopathy (congenital with brain and eye anomalies), type a, 11. Last evaluated: 2020-03-25. Review status: criteria provided, single submitter. Criteria: ACMG Guidelines, 2015. Collection method: clinical testing. Allele origin: germline.

NM_152490.5(B3GALNT2):c.1324A>T (p.Ser442Cys)

Gene: B3GALNT2 (beta-1,3-N-acetylgalactosaminyltransferase 2; minus strand). Cytogenetic location: 1q42.3.
Variant type: single nucleotide variant.
Coding change: c.1324A>T on transcript NM_152490.5 (MANE Select); coding-DNA position 1324, A replaced by T.
Protein change: p.Ser442Cys; replaces serine 442 with cysteine.
Molecular consequence: missense variant.
Genome position (GRCh38, 1-based): chr1:235,453,134, T>A on the plus strand (A>T on the coding strand, the complement: B3GALNT2 is on the minus strand). VCF-style: chr1-235453134-T-A. GRCh37 (hg19) VCF-style: chr1-235616446-T-A.
Other names: c.1324A>T (NM_152490.3); short protein forms S442C.
Identifiers: ClinVar variation 1331101 (VCV001331101.5), dbSNP rs1041647688, ClinGen allele CA39606367.
Genomic context (GRCh38, chr1:235,453,134, plus strand): 5'-ATCCCCAAAGACTTACCTGGTATCTTTTAGGTCCTATGGCAGCCATCCAGATGCCCATGC[T>A]TACATCTTCACCCTATACATGGCCCATAAAGTTTAAATGTAAAAATTTTAATGCTATTTT-3'
Protein context (NP_689703.1, residues 432-452): RLKTYQGEDV[Ser442Cys]MGIWMAAIGP